The following is an entry in ClinVar:

NM_002439.5(MSH3):c.2719A>C (p.Lys907Gln)

Gene: MSH3 (mutS homolog 3; plus strand). Cytogenetic location: 5q14.1.
Variant type: single nucleotide variant.
Coding change: c.2719A>C on transcript NM_002439.5 (MANE Select); coding-DNA position 2719, A replaced by C.
Protein change: p.Lys907Gln; replaces lysine 907 with glutamine.
Molecular consequence: missense variant.
Genome position (GRCh38, 1-based): chr5:80,813,647, A>C. VCF-style: chr5-80813647-A-C. GRCh37 (hg19) VCF-style: chr5-80109466-A-C.
Other names: short protein forms K907Q.
Identifiers: ClinVar variation 5024787 (VCV005024787.1).

ClinVar aggregate classification (germline): Uncertain significance (1 of 4 stars; one submission).

Conditions:
Hereditary cancer-predisposing syndrome. Also called: Neoplastic Syndromes, Hereditary; Tumor predisposition; Hereditary neoplastic syndrome; Hereditary Cancer Syndrome. Identifiers: Orphanet 140162, MedGen C0027672, MeSH D009386, MONDO:0015356.

Submission:

Ambry Genetics
Classification: Uncertain significance for Hereditary cancer-predisposing syndrome. Last evaluated: 2026-07-07. Review status: criteria provided, single submitter. Criteria: Ambry Variant Classification Scheme 2023. Collection method: clinical testing. Allele origin: germline.
Comment: The p.K907Q variant (also known as c.2719A>C), located in coding exon 20 of the MSH3 gene, results from an A to C substitution at nucleotide position 2719. The lysine at codon 907 is replaced by glutamine, an amino acid with similar properties. This amino acid position is conserved. In addition, the in silico prediction for this alteration is inconclusive. Based on the available evidence, the clinical significance of this variant remains unclear.